The following is an entry in ClinVar:

ClinVar aggregate classification (germline): Uncertain significance (1 of 4 stars; one submission).

Conditions:
Cardiovascular phenotype. Identifiers: MedGen CN230736.

gnomAD v4.1: 1 of 1,609,612 alleles (0.000062%); no homozygotes.

Submission:

Ambry Genetics
Classification: Uncertain significance for Cardiovascular phenotype. Last evaluated: 2023-05-27. Review status: criteria provided, single submitter. Criteria: Ambry Variant Classification Scheme 2023. Collection method: clinical testing. Allele origin: germline.
Comment: The p.Q58E variant (also known as c.172C>G), located in coding exon 2 of the TCAP gene, results from a C to G substitution at nucleotide position 172. The glutamine at codon 58 is replaced by glutamic acid, an amino acid with highly similar properties. This amino acid position is conserved. In addition, the in silico prediction for this alteration is inconclusive. Since supporting evidence is limited at this time, the clinical significance of this alteration remains unclear.

NM_003673.4(TCAP):c.172C>G (p.Gln58Glu)

Gene: TCAP (titin-cap; plus strand). Cytogenetic location: 17q12.
Variant type: single nucleotide variant.
Coding change: c.172C>G on transcript NM_003673.4 (MANE Select); coding-DNA position 172, C replaced by G.
Protein change: p.Gln58Glu; replaces glutamine 58 with glutamic acid.
Molecular consequence: missense variant.
Genome position (GRCh38, 1-based): chr17:39,665,777, C>G. VCF-style: chr17-39665777-C-G. GRCh37 (hg19) VCF-style: chr17-37822030-C-G.
Other names: short protein forms Q58E.
Identifiers: ClinVar variation 2562756 (VCV002562756.2), dbSNP rs2543739051, ClinGen allele CA399303887.